The following is an entry in ClinVar:

NM_002913.5(RFC1):c.133-4A>G

Gene: RFC1 (replication factor C subunit 1; minus strand). Cytogenetic location: 4p14.
Variant type: single nucleotide variant.
Coding change: c.133-4A>G on transcript NM_002913.5 (MANE Select); 4 bases into the intron before coding-DNA position 133, A replaced by G.
Molecular consequence: intron variant.
Genome position (GRCh38, 1-based): chr4:39,345,480, T>C on the plus strand (A>G on the coding strand, the complement: RFC1 is on the minus strand). VCF-style: chr4-39345480-T-C. GRCh37 (hg19) VCF-style: chr4-39347100-T-C.
Other names: c.133-4A>G (NM_001363495.2, NM_001363496.2, NM_001204747.2).
Identifiers: ClinVar variation 3048346 (VCV003048346.2), dbSNP rs367640155, ClinGen allele CA2893505.

ClinVar aggregate classification (germline): Likely benign (0 of 4 stars; one submission).

Conditions:
RFC1-related disorder. Also called: RFC1-related condition; RFC1-Related Disorders. Identifiers: MedGen CN382339.

Allele frequency attached by ClinVar (database versions not stated): ExAC 0.00014; TOPMed 0.00014; gnomAD 0.00015; ESP Exome Variant Server 0.00023; gnomAD exomes 0.00030.
gnomAD v4.1: 445 of 1,606,412 alleles (0.028%); highest among the groups gnomAD compares: Non-Finnish European, 0.037%; no homozygotes.

Submission:

PreventionGenetics, part of Exact Sciences
Classification: Likely benign for RFC1-related condition. Last evaluated: 2019-12-02. Review status: no assertion criteria provided. Collection method: clinical testing. Allele origin: germline.
Comment: This variant is classified as likely benign based on ACMG/AMP sequence variant interpretation guidelines (Richards et al. 2015 PMID: 25741868, with internal and published modifications).